The following is an entry in ClinVar:

ClinVar aggregate classification (germline): Uncertain significance (1 of 4 stars; one submission).

Conditions:
Cranium bifidum occultum. Also called: CATLIN MARKS; CRANIUM BIFIDUM, HEREDITARY; Enlarged Parietal Foramina. Identifiers: MedGen C1868598, HP:0004423.

Submission:

Labcorp Genetics (formerly Invitae), Labcorp
Classification: Uncertain significance for Cranium bifidum occultum. Last evaluated: 2023-12-06. Review status: criteria provided, single submitter. Criteria: Invitae Variant Classification Sherloc (09022015). Collection method: clinical testing. Allele origin: germline.
Comment: A copy number gain of the genomic region encompassing the full coding sequence of the MSX2 gene has been identified. The boundaries of this event are unknown as they extend beyond the assayed region for this gene and therefore may encompass additional genes. As the precise location of this event is unknown, it may be in tandem or it may be located elsewhere in the genome. A similar copy number variant has been observed in individuals with MSX2-related conditions (PMID: 22948472, 24666290). In summary, the available evidence is currently insufficient to determine the role of this variant in disease. Therefore, it has been classified as a Variant of Uncertain Significance.

Literature cited by the submitters: PubMed 22948472; PubMed 24666290.

NC_000005.9:g.(?_174151663)_(174156586_?)dup

Gene: MSX2 (msh homeobox 2; plus strand). Cytogenetic location: 5q35.2.
Variant type: Duplication.
Identifiers: ClinVar variation 2424449 (VCV002424449.4).